The following is an entry in ClinVar:

ClinVar aggregate classification (germline): Likely benign. Review status: criteria provided, multiple submitters, no conflicts (2 of 4 stars). 4 submissions from 4 submitters: Likely benign (4). Last evaluated 2026-01-01.

Conditions:
RFT1-congenital disorder of glycosylation (CDG1N). Also called: CDG In; Congenital disorder of glycosylation type In; RFT1-CDG. Identifiers: Orphanet 244310, MedGen C2677590, MONDO:0012783, OMIM 612015.

Allele frequency attached by ClinVar (database versions not stated): gnomAD 0.00012 and 0.00016; ESP Exome Variant Server 0.00015; 1000 Genomes Project 0.00020; TOPMed 0.00020; ExAC 0.00030; 1000 Genomes Project 30x 0.00031.
gnomAD v4.1: 286 of 1,612,362 alleles (0.018%); highest among the groups gnomAD compares: Middle Eastern, 0.38%; no homozygotes.

Submissions (4):

Labcorp Genetics (formerly Invitae), Labcorp
Classification: Likely benign for RFT1-congenital disorder of glycosylation. Last evaluated: 2026-01-01. Review status: criteria provided, single submitter. Criteria: Invitae Variant Classification Sherloc (09022015). Collection method: clinical testing. Allele origin: germline.

CeGaT Center for Human Genetics Tuebingen
Classification: Likely benign. Last evaluated: 2025-08-01. Review status: criteria provided, single submitter. Criteria: CeGaT Center For Human Genetics Tuebingen Variant Classification Criteria Version 2. Collection method: clinical testing. Allele origin: germline. Affected: yes. Observed: 2 variant alleles.
Comment: RFT1: BP4, BP7

Blueprint Genetics
Classification: Likely benign. Last evaluated: 2024-07-04. Review status: criteria provided, single submitter. Criteria: ACMG Guidelines, 2015. Collection method: clinical testing. Allele origin: germline.

Breakthrough Genomics
Classification: Likely benign. Review status: criteria provided, single submitter. Criteria: ACMG Guidelines, 2015. Collection method: not provided. Allele origin: germline. Inheritance: Autosomal recessive inheritance. Affected: yes.

NM_052859.4(RFT1):c.1332G>A (p.Thr444=)

Gene: RFT1 (RFT1 glycolipid translocator homolog; minus strand). Cytogenetic location: 3p21.1.
Variant type: single nucleotide variant.
Coding change: c.1332G>A on transcript NM_052859.4 (MANE Select); coding-DNA position 1332, G replaced by A.
Protein change: p.Thr444=; no amino-acid change (threonine 444 retained).
Molecular consequence: synonymous variant.
Genome position (GRCh38, 1-based): chr3:53,092,495, C>T on the plus strand (G>A on the coding strand, the complement: RFT1 is on the minus strand). VCF-style: chr3-53092495-C-T. GRCh37 (hg19) VCF-style: chr3-53126511-C-T.
Identifiers: ClinVar variation 767069 (VCV000767069.34), dbSNP rs139487607, ClinGen allele CA2451176.